The following is an entry in ClinVar:

ClinVar aggregate classification (germline): Uncertain significance (1 of 4 stars; one submission).

Submission:

Labcorp Genetics (formerly Invitae), Labcorp
Classification: Uncertain significance. Last evaluated: 2025-08-25. Review status: criteria provided, single submitter. Criteria: Invitae Variant Classification Sherloc (09022015). Collection method: clinical testing. Allele origin: germline.
Comment: This sequence change creates a premature translational stop signal (p.Ser145Glnfs*46) in the TNFRSF6B gene. It is expected to result in an absent or disrupted protein product. However, the current clinical and genetic evidence is not sufficient to establish whether loss-of-function variants in TNFRSF6B cause disease. This variant is not present in population databases (gnomAD no frequency). This variant has not been reported in the literature in individuals affected with TNFRSF6B-related conditions. In summary, the available evidence is currently insufficient to determine the role of this variant in disease. Therefore, it has been classified as a Variant of Uncertain Significance.

NM_003823.4(TNFRSF6B):c.428_429insG (p.Ser145fs)

Genes: RTEL1-TNFRSF6B (RTEL1-TNFRSF6B readthrough (NMD candidate); plus strand), TNFRSF6B (TNF receptor superfamily member 6b; plus strand). Cytogenetic location: 20q13.33.
Variant type: Insertion.
Coding change: c.428_429insG on transcript NM_003823.4 (MANE Select); coding-DNA positions 428 to 429, G inserted.
Protein change: p.Ser145fs; shifts the reading frame from serine 145.
Molecular consequence: frameshift variant. On other transcripts: non-coding transcript variant (1).
Genome position: GRCh38 VCF-style: chr20-63697331-C-CG. GRCh37 (hg19) VCF-style: chr20-62328684-C-CG.
Other names: short protein forms S145fs.
Identifiers: ClinVar variation 4764131 (VCV004764131.1).